The following is an entry in ClinVar:

NM_004393.6(DAG1):c.1307C>T (p.Thr436Met)

Gene: DAG1 (dystroglycan 1; plus strand). Cytogenetic location: 3p21.31.
Variant type: single nucleotide variant.
Coding change: c.1307C>T on transcript NM_004393.6 (MANE Select); coding-DNA position 1307, C replaced by T.
Protein change: p.Thr436Met; replaces threonine 436 with methionine.
Molecular consequence: missense variant.
Genome position (GRCh38, 1-based): chr3:49,531,818, C>T. VCF-style: chr3-49531818-C-T. GRCh37 (hg19) VCF-style: chr3-49569251-C-T.
Other names: p.Thr436Met; c.1307C>T, p.Thr436Met (NM_001165928.4, NM_001177634.3, NM_001177635.3 and 9 more transcripts); short protein forms T436M.
Identifiers: ClinVar variation 291208 (VCV000291208.18), dbSNP rs143573515, ClinGen allele CA2399051.

ClinVar aggregate classification (germline): Uncertain significance. Review status: criteria provided, multiple submitters, no conflicts (2 of 4 stars). 6 submissions from 6 submitters: Uncertain significance (6). Last evaluated 2024-06-21.

Conditions:
Muscular dystrophy-dystroglycanopathy (congenital with brain and eye anomalies), type A9. Also called: Muscular dystrophy-dystroglycanopathy (congenital with brain and eye anomalies), type a, 9; WALKER-WARBURG SYNDROME OR MUSCLE-EYE BRAIN DISEASE, DAG1-RELATED. Identifiers: Orphanet 370997, Orphanet 899, MedGen C4225291, MONDO:0014683, OMIM 616538.
Autosomal recessive limb-girdle muscular dystrophy type 2P. Also called: Limb-Girdle Muscular Dystrophy Type 9C; MUSCULAR DYSTROPHY, LIMB-GIRDLE, TYPE 2P; MUSCULAR DYSTROPHY-DYSTROGLYCANOPATHY, LIMB-GIRDLE, DAG1-RELATED. Identifiers: Orphanet 280333, MedGen C4511963, MONDO:0013440, OMIM 613818.

Allele frequency attached by ClinVar (database versions not stated): gnomAD exomes 0.00004 and 0.00012; ExAC 0.00007; gnomAD 0.00009; TOPMed 0.00010; ESP Exome Variant Server 0.00015.
gnomAD v4.1: 194 of 1,613,882 alleles (0.012%); highest among the groups gnomAD compares: Non-Finnish European, 0.014%; no homozygotes.

Submissions (6):

Revvity Omics, Revvity
Classification: Uncertain significance. Last evaluated: 2024-06-21. Review status: criteria provided, single submitter. Criteria: ACMG Guidelines, 2015. Collection method: clinical testing. Allele origin: germline.

Mayo Clinic Laboratories, Mayo Clinic
Classification: Uncertain significance. Last evaluated: 2024-01-31. Review status: criteria provided, single submitter. Criteria: ACMG Guidelines, 2015. Collection method: clinical testing. Allele origin: germline. Observed: 1 variant allele.
Comment: BP4

Blueprint Genetics
Classification: Uncertain significance. Last evaluated: 2022-10-11. Review status: criteria provided, single submitter. Criteria: ACMG Guidelines, 2015. Collection method: clinical testing. Allele origin: germline.

Labcorp Genetics (formerly Invitae), Labcorp
Classification: Uncertain significance for Autosomal recessive limb-girdle muscular dystrophy type 2P; Muscular dystrophy-dystroglycanopathy (congenital with brain and eye anomalies), type A9. Last evaluated: 2022-08-19. Review status: criteria provided, single submitter. Criteria: Invitae Variant Classification Sherloc (09022015). Collection method: clinical testing. Allele origin: germline.
Comment: This sequence change replaces threonine, which is neutral and polar, with methionine, which is neutral and non-polar, at codon 436 of the DAG1 protein (p.Thr436Met). This variant is present in population databases (rs143573515, gnomAD 0.01%). This variant has not been reported in the literature in individuals affected with DAG1-related conditions. ClinVar contains an entry for this variant (Variation ID: 291208). Algorithms developed to predict the effect of missense changes on protein structure and function (SIFT, PolyPhen-2, Align-GVGD) all suggest that this variant is likely to be tolerated. In summary, the available evidence is currently insufficient to determine the role of this variant in disease. Therefore, it has been classified as a Variant of Uncertain Significance.

Athena Diagnostics
Classification: Uncertain significance. Last evaluated: 2017-09-20. Review status: criteria provided, single submitter. Criteria: Athena Diagnostics Criteria. Collection method: clinical testing. Allele origin: germline.

Eurofins Ntd Llc (ga)
Classification: Uncertain significance. Last evaluated: 2016-09-15. Review status: criteria provided, single submitter. Criteria: EGL Classification Definitions 2015. Collection method: clinical testing. Allele origin: germline. Observed: 1 variant allele, 1 heterozygote.